The following is an entry in ClinVar:

NM_000264.5(PTCH1):c.812T>C (p.Ile271Thr)

Gene: PTCH1 (patched 1; minus strand). Cytogenetic location: 9q22.32.
Variant type: single nucleotide variant.
Coding change: c.812T>C on transcript NM_000264.5 (MANE Select); coding-DNA position 812, T replaced by C.
Protein change: p.Ile271Thr; replaces isoleucine 271 with threonine.
Molecular consequence: missense variant. On other transcripts: non-coding transcript variant (1).
Genome position (GRCh38, 1-based): chr9:95,480,523, A>G on the plus strand (T>C on the coding strand, the complement: PTCH1 is on the minus strand). VCF-style: chr9-95480523-A-G. GRCh37 (hg19) VCF-style: chr9-98242805-A-G.
Other names: c.614T>C, p.Ile205Thr (NM_001083602.3); c.809T>C, p.Ile270Thr (NM_001083603.3); c.359T>C, p.Ile120Thr (NM_001083604.3, NM_001083605.3, NM_001083606.3 and 1 more transcripts); c.812T>C, p.Ile271Thr (NM_001354918.2); short protein forms I205T, I270T, I271T, I120T.
Identifiers: ClinVar variation 3427217 (VCV003427217.1).

ClinVar aggregate classification (germline): Uncertain significance (1 of 4 stars; one submission).

Conditions:
Hereditary cancer-predisposing syndrome. Also called: Neoplastic Syndromes, Hereditary; Tumor predisposition; Hereditary Cancer Syndrome; Hereditary neoplastic syndrome. Identifiers: Orphanet 140162, MedGen C0027672, MeSH D009386, MONDO:0015356.

Submission:

Ambry Genetics
Classification: Uncertain significance for Hereditary cancer-predisposing syndrome. Last evaluated: 2024-09-13. Review status: criteria provided, single submitter. Criteria: Ambry Variant Classification Scheme 2023. Collection method: clinical testing. Allele origin: germline.
Comment: The p.I271T variant (also known as c.812T>C), located in coding exon 6 of the PTCH1 gene, results from a T to C substitution at nucleotide position 812. The isoleucine at codon 271 is replaced by threonine, an amino acid with similar properties. This amino acid position is conserved. In addition, the in silico prediction for this alteration is inconclusive. Based on the available evidence, the clinical significance of this variant remains unclear.